The following is an entry in ClinVar:

NM_153676.4(USH1C):c.1086G>A (p.Gln362=)

Gene: USH1C (USH1 protein network component harmonin; minus strand). Cytogenetic location: 11p15.1.
Variant type: single nucleotide variant.
Coding change: c.1086G>A on transcript NM_153676.4 (MANE Select); coding-DNA position 1086, G replaced by A.
Protein change: p.Gln362=; no amino-acid change (glutamine 362 retained).
Molecular consequence: synonymous variant. On other transcripts: non-coding transcript variant (1).
Genome position (GRCh38, 1-based): chr11:17,520,994, C>T on the plus strand (G>A on the coding strand, the complement: USH1C is on the minus strand). VCF-style: chr11-17520994-C-T. GRCh37 (hg19) VCF-style: chr11-17542541-C-T.
Other names: c.1029G>A, p.Gln343= (NM_001297764.2); c.1086G>A, p.Gln362= (NM_005709.4).
Identifiers: ClinVar variation 1964895 (VCV001964895.2), dbSNP rs147727890, ClinGen allele CA218454108.
Genomic context (GRCh38, chr11:17,520,994, plus strand): 5'-TTCCTTTGAGCCCCAGTCTTCTTCCCATTGCTTCTTAAACTTCTCTTCCTCCTCTACAAT[C>T]CTAAAATGAGACCCCCATGCCTGTTACTGGAGTCAGAACCCCCATAGGCCCATCTCCTGC-3'
Protein context (NP_710142.1, residues 352-372): ENERYRKEME[Gln362=]IVEEEEKFKK

ClinVar aggregate classification (germline): Uncertain significance (1 of 4 stars; one submission).

Allele frequency attached by ClinVar (database versions not stated): TOPMed below 0.00001; gnomAD exomes 0.00001; gnomAD 0.00002; ESP Exome Variant Server 0.00008.
gnomAD v4.1: 12 of 1,613,998 alleles (0.00074%); highest among the groups gnomAD compares: Non-Finnish European, 0.001%; no homozygotes.

Submission:

Labcorp Genetics (formerly Invitae), Labcorp
Classification: Uncertain significance. Last evaluated: 2022-05-27. Review status: criteria provided, single submitter. Criteria: Invitae Variant Classification Sherloc (09022015). Collection method: clinical testing. Allele origin: germline.
Comment: This sequence change affects codon 362 of the USH1C mRNA. It is a 'silent' change, meaning that it does not change the encoded amino acid sequence of the USH1C protein. It affects a nucleotide within the consensus splice site. This variant is present in population databases (rs147727890, gnomAD 0.002%). This variant has not been reported in the literature in individuals affected with USH1C-related conditions. Algorithms developed to predict the effect of sequence changes on RNA splicing suggest that this variant is not likely to affect RNA splicing. In summary, the available evidence is currently insufficient to determine the role of this variant in disease. Therefore, it has been classified as a Variant of Uncertain Significance.